The following is an entry in ClinVar:

NM_032380.5(GFM2):c.2297A>G (p.Gln766Arg)

Gene: GFM2 (GTP dependent ribosome recycling factor mitochondrial 2; minus strand). Cytogenetic location: 5q13.3.
Variant type: single nucleotide variant.
Coding change: c.2297A>G on transcript NM_032380.5 (MANE Select); coding-DNA position 2297, A replaced by G.
Protein change: p.Gln766Arg; replaces glutamine 766 with arginine.
Molecular consequence: missense variant. On other transcripts: non-coding transcript variant (1).
Genome position (GRCh38, 1-based): chr5:74,721,698, T>C on the plus strand (A>G on the coding strand, the complement: GFM2 is on the minus strand). VCF-style: chr5-74721698-T-C. GRCh37 (hg19) VCF-style: chr5-74017523-T-C.
Other names: c.2393A>G, p.Gln798Arg (NM_001281302.2); c.2156A>G, p.Gln719Arg (NM_170691.3); c.2297A>G (NM_032380.3); short protein forms Q798R, Q719R, Q766R.
Identifiers: ClinVar variation 1963756 (VCV001963756.6), dbSNP rs754664678, ClinGen allele CA3306301.

ClinVar aggregate classification (germline): Uncertain significance. Review status: criteria provided, multiple submitters, no conflicts (2 of 4 stars). 2 submissions from 2 submitters: Uncertain significance (2). Last evaluated 2025-01-27.

Conditions:
Inborn genetic diseases. Identifiers: MedGen C0950123, MeSH D030342.

Allele frequency attached by ClinVar (database versions not stated): ExAC 0.00001.
gnomAD v4.1: 1 of 1,613,734 alleles (0.000062%); highest among the groups gnomAD compares: Admixed American, 0.0017%; no homozygotes.

Submissions (2):

Ambry Genetics
Classification: Uncertain significance for Inborn genetic diseases. Last evaluated: 2025-01-27. Review status: criteria provided, single submitter. Criteria: Ambry Variant Classification Scheme 2023. Collection method: clinical testing. Allele origin: germline.

Labcorp Genetics (formerly Invitae), Labcorp
Classification: Uncertain significance. Last evaluated: 2024-10-23. Review status: criteria provided, single submitter. Criteria: Invitae Variant Classification Sherloc (09022015). Collection method: clinical testing. Allele origin: germline.
Comment: This sequence change replaces glutamine, which is neutral and polar, with arginine, which is basic and polar, at codon 766 of the GFM2 protein (p.Gln766Arg). The frequency data for this variant in the population databases is considered unreliable, as metrics indicate poor data quality at this position in the gnomAD database. This variant has not been reported in the literature in individuals affected with GFM2-related conditions. ClinVar contains an entry for this variant (Variation ID: 1963756). Invitae Evidence Modeling of protein sequence and biophysical properties (such as structural, functional, and spatial information, amino acid conservation, physicochemical variation, residue mobility, and thermodynamic stability) indicates that this missense variant is not expected to disrupt GFM2 protein function with a negative predictive value of 80%. In summary, the available evidence is currently insufficient to determine the role of this variant in disease. Therefore, it has been classified as a Variant of Uncertain Significance.